The following is an entry in ClinVar:

NM_006348.5(COG5):c.1831A>G (p.Met611Val)

Gene: COG5 (component of oligomeric golgi complex 5; minus strand). Cytogenetic location: 7q22.3.
Variant type: single nucleotide variant.
Coding change: c.1831A>G on transcript NM_006348.5 (MANE Select); coding-DNA position 1831, A replaced by G.
Protein change: p.Met611Val; replaces methionine 611 with valine.
Molecular consequence: missense variant.
Genome position (GRCh38, 1-based): chr7:107,248,418, T>C on the plus strand (A>G on the coding strand, the complement: COG5 is on the minus strand). VCF-style: chr7-107248418-T-C. GRCh37 (hg19) VCF-style: chr7-106888863-T-C.
Other names: c.1831A>G, p.Met611Val (NM_001161520.2, NM_001379513.1, NM_001379514.1); c.1669A>G, p.Met557Val (NM_001379511.1); c.1657A>G, p.Met553Val (NM_001379512.1); c.1261A>G, p.Met421Val (NM_001379515.1); c.1117A>G, p.Met373Val (NM_001379516.1); c.1768A>G, p.Met590Val (NM_181733.4); short protein forms M553V, M590V, M611V, M373V, M421V, M557V.
Identifiers: ClinVar variation 2125251 (VCV002125251.4), dbSNP rs2535933904, ClinGen allele CA368940343.

ClinVar aggregate classification (germline): Uncertain significance (1 of 4 stars; one submission).

Conditions:
COG5-congenital disorder of glycosylation. Also called: CDG IIi; CONGENITAL DISORDER OF GLYCOSYLATION, TYPE IIi; COG5-CDG. Identifiers: Orphanet 263487, MedGen C3150876, MONDO:0013325, OMIM 613612.

Submission:

Labcorp Genetics (formerly Invitae), Labcorp
Classification: Uncertain significance for COG5-congenital disorder of glycosylation. Last evaluated: 2022-04-12. Review status: criteria provided, single submitter. Criteria: Invitae Variant Classification Sherloc (09022015). Collection method: clinical testing. Allele origin: germline.
Comment: This sequence change replaces methionine, which is neutral and non-polar, with valine, which is neutral and non-polar, at codon 642 of the COG5 protein (p.Met642Val). This variant is not present in population databases (gnomAD no frequency). This variant has not been reported in the literature in individuals affected with COG5-related conditions. Algorithms developed to predict the effect of missense changes on protein structure and function (SIFT, PolyPhen-2, Align-GVGD) all suggest that this variant is likely to be tolerated. In summary, the available evidence is currently insufficient to determine the role of this variant in disease. Therefore, it has been classified as a Variant of Uncertain Significance.